The following is an entry in ClinVar:

NM_020987.5(ANK3):c.9199G>A (p.Asp3067Asn)

Gene: ANK3 (ankyrin 3; minus strand). Cytogenetic location: 10q21.2.
Variant type: single nucleotide variant.
Coding change: c.9199G>A on transcript NM_020987.5 (MANE Select); coding-DNA position 9199, G replaced by A.
Protein change: p.Asp3067Asn; replaces aspartic acid 3067 with asparagine.
Molecular consequence: missense variant. On other transcripts: intron variant (4).
Genome position (GRCh38, 1-based): chr10:60,071,682, C>T on the plus strand (G>A on the coding strand, the complement: ANK3 is on the minus strand). VCF-style: chr10-60071682-C-T. GRCh37 (hg19) VCF-style: chr10-61831440-C-T.
Other names: c.4388-3673G>A (NM_001204403.2); c.4409-3673G>A (NM_001204404.2); c.4406-3673G>A (NM_001320874.2); c.1808-3673G>A (NM_001149.4); short protein forms D3067N.
Identifiers: ClinVar variation 1430701 (VCV001430701.6), dbSNP rs568053112, ClinGen allele CA5511424.

ClinVar aggregate classification (germline): Uncertain significance (1 of 4 stars; one submission).

Allele frequency attached by ClinVar (database versions not stated): gnomAD 0.00001 and 0.00005; TOPMed 0.00002; gnomAD exomes 0.00007 and 0.00010; ExAC 0.00012; 1000 Genomes Project 30x 0.00094; 1000 Genomes Project 0.00120.
gnomAD v4.1: 143 of 1,602,858 alleles (0.0089%); highest among the groups gnomAD compares: South Asian, 0.058%; 1 homozygote.

Submission:

Labcorp Genetics (formerly Invitae), Labcorp
Classification: Uncertain significance. Last evaluated: 2026-01-14. Review status: criteria provided, single submitter. Criteria: Invitae Variant Classification Sherloc (09022015). Collection method: clinical testing. Allele origin: germline.
Comment: This sequence change replaces aspartic acid, which is acidic and polar, with asparagine, which is neutral and polar, at codon 3067 of the ANK3 protein (p.Asp3067Asn). This variant is present in population databases (rs568053112, gnomAD 0.06%). This variant has not been reported in the literature in individuals affected with ANK3-related conditions. ClinVar contains an entry for this variant (Variation ID: 1430701). An algorithm developed to predict the effect of missense changes on protein structure and function (PolyPhen-2) suggests that this variant is likely to be disruptive. In summary, the available evidence is currently insufficient to determine the role of this variant in disease. Therefore, it has been classified as a Variant of Uncertain Significance.